The following is an entry in ClinVar:

NM_000038.6(APC):c.459G>A (p.Lys153=)

Gene: APC (APC regulator of Wnt signaling pathway; plus strand). Cytogenetic location: 5q22.2.
Variant type: single nucleotide variant.
Coding change: c.459G>A on transcript NM_000038.6 (MANE Select); coding-DNA position 459, G replaced by A.
Protein change: p.Lys153=; no amino-acid change (lysine 153 retained).
Molecular consequence: synonymous variant. On other transcripts: 5 prime UTR variant (1).
Genome position (GRCh38, 1-based): chr5:112,775,665, G>A. VCF-style: chr5-112775665-G-A. GRCh37 (hg19) VCF-style: chr5-112111362-G-A.
Other names: c.459G>A, p.Lys153= (NM_001127510.3, NM_001354895.2, NM_001354896.2 and 2 more transcripts); c.489G>A, p.Lys163= (NM_001127511.3, NM_001354897.2, NM_001354902.2); c.384G>A, p.Lys128= (NM_001354898.2, NM_001354904.2); c.282G>A, p.Lys94= (NM_001354900.2, NM_001354901.2, NM_001354905.2); c.-577G>A (NM_001354906.2).
Identifiers: ClinVar variation 220342 (VCV000220342.21), dbSNP rs864622482, ClinGen allele CA349496.
Genomic context (GRCh38, chr5:112,775,665, plus strand): 5'-CTTTTTTTAAAAAAAAAAAAATAGGTCATTGCTTCTTGCTGATCTTGACAAAGAAGAAAA[G>A]GAAAAAGACTGGTATTACGCTCAACTTCAGAATCTCACTAAAAGAATAGATAGTCTTCCT-3'
Protein context (NP_000029.2, residues 143-163): LLLADLDKEE[Lys153=]EKDWYYAQLQ

ClinVar aggregate classification (germline): Benign/Likely benign. Review status: criteria provided, multiple submitters, no conflicts (2 of 4 stars). 7 submissions from 7 submitters: Benign (2); Likely benign (5). Last evaluated 2026-01-26.

Conditions:
Classic or attenuated familial adenomatous polyposis. Identifiers: MedGen CN372698, MONDO:0021057.
Hereditary cancer-predisposing syndrome. Also called: Hereditary neoplastic syndrome; Tumor predisposition; Hereditary Cancer Syndrome; Neoplastic Syndromes, Hereditary. Identifiers: Orphanet 140162, MedGen C0027672, MeSH D009386, MONDO:0015356.
Familial adenomatous polyposis 1 (FAP1). Also called: FAMILIAL ADENOMATOUS POLYPOSIS 1, ATTENUATED; POLYPOSIS, ADENOMATOUS INTESTINAL. Identifiers: MedGen C2713442, MONDO:0021056, OMIM 175100. Disease mechanism: loss of function.

Allele frequency attached by ClinVar (database versions not stated): gnomAD exomes below 0.00001 and 0.00001; gnomAD 0.00001.
gnomAD v4.1: 4 of 1,606,426 alleles (0.00025%); highest among the groups gnomAD compares: Admixed American, 0.0017%; no homozygotes.

Submissions (7):

Labcorp Genetics (formerly Invitae), Labcorp
Classification: Likely benign for Familial adenomatous polyposis 1. Last evaluated: 2026-01-26. Review status: criteria provided, single submitter. Criteria: Invitae Variant Classification Sherloc (09022015). Collection method: clinical testing. Allele origin: germline.

KCCC/NGS Laboratory, Kuwait Cancer Control Center
Classification: Benign for Familial adenomatous polyposis 1. Last evaluated: 2025-02-01. Review status: criteria provided, single submitter. Criteria: ACMG Guidelines, 2015. Collection method: clinical testing. Allele origin: germline. Affected: no.

Myriad Genetics, Inc.
Classification: Benign for Familial adenomatous polyposis 1. Last evaluated: 2024-02-23. Review status: criteria provided, single submitter. Criteria: Myriad Autosomal Dominant, Autosomal Recessive and X-Linked Classification Criteria (2023). Collection method: clinical testing. Allele origin: unknown.
Comment: This variant is considered benign. This variant is a silent/synonymous amino acid change and it is not expected to impact splicing.

All of Us Research Program, National Institutes of Health
Classification: Likely benign for Classic or attenuated familial adenomatous polyposis. Last evaluated: 2023-03-28. Review status: criteria provided, single submitter. Criteria: ACMG Guidelines, 2015. Collection method: clinical testing. Allele origin: germline. Inheritance: Autosomal dominant inheritance. Observed: 1 variant allele, 1 heterozygote.
Comment: This study involves interpretation of variants in research participants for the purpose of population health screening. Participant phenotype was not available at the time of variant classification. Additional details can be found in publication PMID: 35346344, PMCID: PMC8962531

Color Diagnostics, LLC DBA Color Health
Classification: Likely benign for Hereditary cancer-predisposing syndrome. Last evaluated: 2018-11-26. Review status: criteria provided, single submitter. Criteria: ACMG Guidelines, 2015. Collection method: clinical testing. Allele origin: germline.

GeneDx
Classification: Likely benign. Last evaluated: 2018-03-12. Review status: criteria provided, single submitter. Criteria: GeneDx Variant Classification (06012015). Collection method: clinical testing. Allele origin: germline. Affected: yes.
Comment: This variant is considered likely benign or benign based on one or more of the following criteria: it is a conservative change, it occurs at a poorly conserved position in the protein, it is predicted to be benign by multiple in silico algorithms, and/or has population frequency not consistent with disease.

Ambry Genetics
Classification: Likely benign for Hereditary cancer-predisposing syndrome. Last evaluated: 2016-03-24. Review status: criteria provided, single submitter. Criteria: Ambry Variant Classification Scheme 2023. Collection method: clinical testing. Allele origin: germline.